The following is an entry in ClinVar:

ClinVar aggregate classification (germline): Likely benign (1 of 4 stars; one submission).

Submission:

CeGaT Center for Human Genetics Tuebingen
Classification: Likely benign. Last evaluated: 2025-07-01. Review status: criteria provided, single submitter. Criteria: CeGaT Center For Human Genetics Tuebingen Variant Classification Criteria Version 2. Collection method: clinical testing. Allele origin: germline. Affected: yes. Observed: 1 variant allele.
Comment: KIAA0586: PM2:Supporting, BP4, BP7

NM_001329943.3(KIAA0586):c.4083T>C (p.Tyr1361=)

Gene: KIAA0586 (KIAA0586; plus strand). Cytogenetic location: 14q23.1.
Variant type: single nucleotide variant.
Coding change: c.4083T>C on transcript NM_001329943.3 (MANE Select); coding-DNA position 4083, T replaced by C.
Protein change: p.Tyr1361=; no amino-acid change (tyrosine 1361 retained).
Molecular consequence: synonymous variant.
Genome position (GRCh38, 1-based): chr14:58,498,875, T>C. VCF-style: chr14-58498875-T-C. GRCh37 (hg19) VCF-style: chr14-58965593-T-C.
Other names: c.4242T>C, p.Tyr1414= (NM_001244189.2); c.4038T>C, p.Tyr1346= (NM_001244190.2); c.3828T>C, p.Tyr1276= (NM_001244191.2, NM_001329945.2, NM_001364700.1 and 1 more transcripts); c.3951T>C, p.Tyr1317= (NM_001244192.2, NM_001329947.2); c.3663T>C, p.Tyr1221= (NM_001244193.2); c.4083T>C, p.Tyr1361= (NM_001329944.2, NM_001329946.2); c.3855T>C, p.Tyr1285= (NM_014749.5).
Identifiers: ClinVar variation 4084906 (VCV004084906.8).